The following is an entry in ClinVar:

ClinVar aggregate classification (germline): Likely benign. Review status: criteria provided, multiple submitters, no conflicts (2 of 4 stars). 2 submissions from 2 submitters: Likely benign (2). Last evaluated 2023-11-16.

Allele frequency attached by ClinVar (database versions not stated): TOPMed 0.00002; gnomAD 0.00003.
gnomAD v4.1: 66 of 1,551,478 alleles (0.0043%); highest among the groups gnomAD compares: East Asian, 0.012%; no homozygotes.

Submissions (2):

Blueprint Genetics
Classification: Likely benign. Last evaluated: 2023-11-16. Review status: criteria provided, single submitter. Criteria: ACMG Guidelines, 2015. Collection method: clinical testing. Allele origin: germline.

CeGaT Center for Human Genetics Tuebingen
Classification: Likely benign. Last evaluated: 2023-03-01. Review status: criteria provided, single submitter. Criteria: CeGaT Center For Human Genetics Tuebingen Variant Classification Criteria Version 2. Collection method: clinical testing. Allele origin: germline. Affected: yes. Observed: 1 variant allele.
Comment: SETD1B: BP4, BP7

NM_001353345.2(SETD1B):c.3129G>A (p.Ala1043=)

Gene: SETD1B (SET domain containing 1B, histone lysine methyltransferase; plus strand). Cytogenetic location: 12q24.31.
Variant type: single nucleotide variant.
Coding change: c.3129G>A on transcript NM_001353345.2 (MANE Select); coding-DNA position 3129, G replaced by A.
Protein change: p.Ala1043=; no amino-acid change (alanine 1043 retained).
Molecular consequence: synonymous variant.
Genome position (GRCh38, 1-based): chr12:121,817,521, G>A. VCF-style: chr12-121817521-G-A. GRCh37 (hg19) VCF-style: chr12-122255427-G-A.
Identifiers: ClinVar variation 2643459 (VCV002643459.25), dbSNP rs972441220, ClinGen allele CA244644139.